The following is an entry in ClinVar:

NM_018062.4(FANCL):c.739_740dup (p.Met247fs)

Gene: FANCL (FA complementation group L; minus strand). Cytogenetic location: 2p16.1.
Variant type: Duplication.
Coding change: c.739_740dup on transcript NM_018062.4 (MANE Select); coding-DNA positions 739 to 740, 2 bases duplicated (AT; older notation c.739_740dupAT).
Protein change: p.Met247fs; shifts the reading frame from methionine 247.
Molecular consequence: frameshift variant.
Genome position (GRCh38, 1-based): chr2:58,163,469-58,163,470, AT duplicated on the plus strand (AT on the coding strand, the reverse complement: FANCL is on the minus strand); duplicating any 2 consecutive bases within chr2:58,163,469-58,163,471 gives the same sequence; the c. name uses the placement nearest the transcript's 3' end. VCF-style (leftmost placement, unchanged base first): chr2-58163468-C-CAT. GRCh37 (hg19) VCF-style: chr2-58390603-C-CAT.
Other names: c.753_754dup, p.Met252Ilefs (NM_001114636.2); c.784_785dup, p.Met262fs (NM_001374615.1); c.799_800dup, p.Met267fs (NM_001410792.1); short protein forms M247fs, M252fs, M262fs, M267fs.
Identifiers: ClinVar variation 871168 (VCV000871168.49), dbSNP rs1685514075, ClinGen allele CA426175373.

ClinVar aggregate classification (germline): Pathogenic/Likely pathogenic. Review status: criteria provided, multiple submitters, no conflicts (2 of 4 stars). 4 submissions from 4 submitters: Pathogenic (3); Likely pathogenic (1). Last evaluated 2025-02-12.

Conditions:
Fanconi anemia (FA). Also called: Fanconi's anemia. Identifiers: Orphanet 84, MedGen C0015625, MeSH D005199, MONDO:0019391.
Fanconi anemia complementation group L (FANCL). Also called: FANCL-Related Fanconi Anemia. Identifiers: Orphanet 84, MedGen C3469528, MONDO:0013566, OMIM 614083.
FANCL-related disorders.

Submissions (4):

Labcorp Genetics (formerly Invitae), Labcorp
Classification: Pathogenic for Fanconi anemia. Last evaluated: 2025-02-12. Review status: criteria provided, single submitter. Criteria: Invitae Variant Classification Sherloc (09022015). Collection method: clinical testing. Allele origin: germline.
Comment: This sequence change creates a premature translational stop signal (p.Met247Ilefs*15) in the FANCL gene. It is expected to result in an absent or disrupted protein product. Loss-of-function variants in FANCL are known to be pathogenic (PMID: 19405097, 23613520). This variant is not present in population databases (gnomAD no frequency). This premature translational stop signal has been observed in individual(s) with Fanconi anemia (PMID: 22720145). This variant is also known as c.755_756insAT (p.M252fs). ClinVar contains an entry for this variant (Variation ID: 871168). Algorithms developed to predict the effect of sequence changes on RNA splicing suggest that this variant may disrupt the consensus splice site. For these reasons, this variant has been classified as Pathogenic.

Fulgent Genetics
Classification: Pathogenic for Fanconi anemia complementation group L. Last evaluated: 2024-01-09. Review status: criteria provided, single submitter. Criteria: ACMG Guidelines, 2015. Collection method: clinical testing. Allele origin: germline.

Blueprint Genetics
Classification: Likely pathogenic for FANCL-related disorders. Last evaluated: 2023-06-02. Review status: criteria provided, single submitter. Criteria: ACMG Guidelines, 2015. Collection method: clinical testing. Allele origin: germline. Affected: yes. Observed: 1 variant allele.

CeGaT Center for Human Genetics Tuebingen
Classification: Pathogenic. Last evaluated: 2018-02-01. Review status: criteria provided, single submitter. Criteria: CeGaT Center For Human Genetics Tuebingen Variant Classification Criteria Version 2. Collection method: clinical testing. Allele origin: germline. Affected: yes. Observed: 1 variant allele.

Literature cited by the submitters: PubMed 19405097 (cited by Labcorp Genetics (formerly Invitae), Labcorp); PubMed 23613520 (cited by Labcorp Genetics (formerly Invitae), Labcorp); PubMed 22720145 (cited by Labcorp Genetics (formerly Invitae), Labcorp).